The following is an entry in ClinVar:

ClinVar aggregate classification (germline): Likely benign. Review status: criteria provided, multiple submitters, no conflicts (2 of 4 stars). 3 submissions from 3 submitters: Likely benign (3). Last evaluated 2025-10-05.

Conditions:
Tuberous sclerosis 2 (TSC2). Identifiers: Orphanet 805, MedGen C1860707, MONDO:0013199, OMIM 613254.

Allele frequency attached by ClinVar (database versions not stated): TOPMed 0.00002.
gnomAD v4.1: 6 of 1,612,448 alleles (0.00037%); highest among the groups gnomAD compares: Non-Finnish European, 0.00051%; no homozygotes.

Submissions (3):

Labcorp Genetics (formerly Invitae), Labcorp
Classification: Likely benign for Tuberous sclerosis 2. Last evaluated: 2025-10-05. Review status: criteria provided, single submitter. Criteria: Invitae Variant Classification Sherloc (09022015). Collection method: clinical testing. Allele origin: germline.

Myriad Genetics, Inc.
Classification: Likely benign for Tuberous sclerosis 2. Last evaluated: 2025-06-06. Review status: criteria provided, single submitter. Criteria: Myriad Autosomal Dominant, Autosomal Recessive and X-Linked Classification Criteria (2023). Collection method: clinical testing. Allele origin: unknown.
Comment: This variant is considered likely benign. This variant is intronic and is not expected to impact mRNA splicing.

Blueprint Genetics
Classification: Likely benign. Last evaluated: 2022-06-27. Review status: criteria provided, single submitter. Criteria: ACMG Guidelines, 2015. Collection method: clinical testing. Allele origin: germline.

NM_000548.5(TSC2):c.5259+8A>C

Gene: TSC2 (TSC complex subunit 2; plus strand). Cytogenetic location: 16p13.3.
Variant type: single nucleotide variant.
Coding change: c.5259+8A>C on transcript NM_000548.5 (MANE Select); 8 bases into the intron after coding-DNA position 5259, A replaced by C.
Molecular consequence: intron variant.
Genome position (GRCh38, 1-based): chr16:2,088,333, A>C. VCF-style: chr16-2088333-A-C. GRCh37 (hg19) VCF-style: chr16-2138334-A-C.
Other names: c.5190+8A>C (NM_001114382.3); c.5130+8A>C (NM_021055.3); c.5118+8A>C (NM_001370405.1); c.5061+8A>C (NM_001363528.2); c.5127+8A>C (NM_001370404.1); c.5058+8A>C (NM_001077183.3); c.4950+8A>C (NM_001318827.2); c.4527+8A>C (NM_001318831.2); and 2 more.
Identifiers: ClinVar variation 703705 (VCV000703705.14), dbSNP rs912835683, ClinGen allele CA276759626.